The following is an entry in ClinVar:

NM_015040.4(PIKFYVE):c.2082+6G>A

Gene: PIKFYVE (phosphoinositide kinase, FYVE-type zinc finger containing; plus strand). Cytogenetic location: 2q34.
Variant type: single nucleotide variant.
Coding change: c.2082+6G>A on transcript NM_015040.4 (MANE Select); 6 bases into the intron after coding-DNA position 2082, G replaced by A.
Molecular consequence: intron variant.
Genome position (GRCh38, 1-based): chr2:208,317,947, G>A. VCF-style: chr2-208317947-G-A. GRCh37 (hg19) VCF-style: chr2-209182671-G-A.
Identifiers: ClinVar variation 2833757 (VCV002833757.3), dbSNP rs2470094282, ClinGen allele CA2739279540.

ClinVar aggregate classification (germline): Uncertain significance (1 of 4 stars; one submission).

Submission:

Labcorp Genetics (formerly Invitae), Labcorp
Classification: Uncertain significance. Last evaluated: 2023-05-11. Review status: criteria provided, single submitter. Criteria: Invitae Variant Classification Sherloc (09022015). Collection method: clinical testing. Allele origin: germline.
Comment: This sequence change falls in intron 16 of the PIKFYVE gene. It does not directly change the encoded amino acid sequence of the PIKFYVE protein. It affects a nucleotide within the consensus splice site. This variant is not present in population databases (gnomAD no frequency). This variant has not been reported in the literature in individuals affected with PIKFYVE-related conditions. Variants that disrupt the consensus splice site are a relatively common cause of aberrant splicing (PMID: 17576681, 9536098). Algorithms developed to predict the effect of sequence changes on RNA splicing suggest that this variant is not likely to affect RNA splicing. In summary, the available evidence is currently insufficient to determine the role of this variant in disease. Therefore, it has been classified as a Variant of Uncertain Significance.

Literature cited by the submitters: PubMed 17576681; PubMed 9536098.